The following is an entry in ClinVar:

NM_017637.6(BNC2):c.2768C>G (p.Ala923Gly)

Gene: BNC2 (basonuclin zinc finger protein 2; minus strand). Cytogenetic location: 9p22.3.
Variant type: single nucleotide variant.
Coding change: c.2768C>G on transcript NM_017637.6 (MANE Select); coding-DNA position 2768, C replaced by G.
Protein change: p.Ala923Gly; replaces alanine 923 with glycine.
Molecular consequence: missense variant. On other transcripts: 3 prime UTR variant (1).
Genome position (GRCh38, 1-based): chr9:16,419,521, G>C on the plus strand (C>G on the coding strand, the complement: BNC2 is on the minus strand). VCF-style: chr9-16419521-G-C. GRCh37 (hg19) VCF-style: chr9-16419519-G-C.
Other names: c.*112C>G (NM_001317939.2); c.2483C>G, p.Ala828Gly (NM_001317940.2); short protein forms A828G, A923G.
Identifiers: ClinVar variation 1957670 (VCV001957670.5), dbSNP rs117452684, ClinGen allele CA4995696.

ClinVar aggregate classification (germline): Uncertain significance (1 of 4 stars; one submission).

gnomAD v4.1: 2 of 1,614,130 alleles (0.00012%); highest among the groups gnomAD compares: East Asian, 0.0022%; no homozygotes.

Submission:

Labcorp Genetics (formerly Invitae), Labcorp
Classification: Uncertain significance. Last evaluated: 2023-05-15. Review status: criteria provided, single submitter. Criteria: Invitae Variant Classification Sherloc (09022015). Collection method: clinical testing. Allele origin: germline.
Comment: This sequence change replaces alanine, which is neutral and non-polar, with glycine, which is neutral and non-polar, at codon 923 of the BNC2 protein (p.Ala923Gly). In summary, the available evidence is currently insufficient to determine the role of this variant in disease. Therefore, it has been classified as a Variant of Uncertain Significance. An algorithm developed to predict the effect of missense changes on protein structure and function (PolyPhen-2) suggests that this variant is likely to be tolerated. ClinVar contains an entry for this variant (Variation ID: 1957670). This variant has not been reported in the literature in individuals affected with BNC2-related conditions. This variant is present in population databases (rs117452684, gnomAD 0.006%).